The following is an entry in ClinVar:

NM_000303.3(PMM2):c.*175G>A

Gene: PMM2 (phosphomannomutase 2; plus strand). Cytogenetic location: 16p13.2.
Variant type: single nucleotide variant.
Coding change: c.*175G>A on transcript NM_000303.3 (MANE Select); 175 bases downstream of the stop codon, G replaced by A.
Molecular consequence: 3 prime UTR variant.
Genome position (GRCh38, 1-based): chr16:8,848,000, G>A. VCF-style: chr16-8848000-G-A. GRCh37 (hg19) VCF-style: chr16-8941857-G-A.
Identifiers: ClinVar variation 321231 (VCV000321231.12), dbSNP rs2072688, ClinGen allele CA10649249.

ClinVar aggregate classification (germline): Benign. Review status: criteria provided, multiple submitters, no conflicts (2 of 4 stars). 4 submissions from 4 submitters: Benign (4). Last evaluated 2021-07-10.

Conditions:
PMM2-congenital disorder of glycosylation. Also called: CDG Ia; JAEKEN SYNDROME; PHOSPHOMANNOMUTASE 2 DEFICIENCY; Congenital disorder of glycosylation, type Ia; CARBOHYDRATE-DEFICIENT GLYCOPROTEIN SYNDROME, TYPE Ia; PMM2-CDG. Identifiers: Orphanet 79318, MedGen C0349653, MONDO:0008907, OMIM 212065.

Allele frequency attached by ClinVar (database versions not stated): 1000 Genomes Project 0.26937; gnomAD exomes 0.27043; TOPMed 0.25363; gnomAD 0.26303 and 0.26514; 1000 Genomes Project 30x 0.26562.
gnomAD v4.1: 165,096 of 614,406 alleles (27%); highest among the groups gnomAD compares: South Asian, 33%; 22,908 homozygotes.

Submissions (4):

Genome-Nilou Lab
Classification: Benign for PMM2-congenital disorder of glycosylation. Last evaluated: 2021-07-10. Review status: criteria provided, single submitter. Criteria: ACMG Guidelines, 2015. Collection method: clinical testing. Allele origin: germline. Affected: no.

GeneDx
Classification: Benign. Last evaluated: 2018-06-29. Review status: criteria provided, single submitter. Criteria: GeneDx Variant Classification Process June 2021. Collection method: clinical testing. Allele origin: germline. Affected: yes.

Illumina Laboratory Services, Illumina
Classification: Benign for PMM2-congenital disorder of glycosylation. Last evaluated: 2018-01-12. Review status: criteria provided, single submitter. Criteria: ICSL Variant Classification Criteria 13 December 2019. Collection method: clinical testing. Allele origin: germline.
Comment: This variant was observed in the ICSL laboratory as part of a predisposition screen in an ostensibly healthy population. It had not been previously curated by ICSL or reported in the Human Gene Mutation Database (HGMD: prior to June 1st, 2018), and was therefore a candidate for classification through an automated scoring system. Utilizing variant allele frequency, disease prevalence and penetrance estimates, and inheritance mode, an automated score was calculated to assess if this variant is too frequent to cause the disease. Based on the score and internal cut-off values, a variant classified as benign is not then subjected to further curation. The score for this variant resulted in a classification of benign for this disease.

Breakthrough Genomics
Classification: Benign. Review status: criteria provided, single submitter. Criteria: ACMG Guidelines, 2015. Collection method: not provided. Allele origin: germline. Inheritance: Autosomal recessive inheritance. Affected: yes.